The following is an entry in ClinVar:

ClinVar aggregate classification (germline): Uncertain significance (1 of 4 stars; one submission).

Conditions:
Hereditary cancer-predisposing syndrome. Also called: Hereditary neoplastic syndrome; Neoplastic Syndromes, Hereditary; Tumor predisposition; Hereditary Cancer Syndrome. Identifiers: Orphanet 140162, MedGen C0027672, MeSH D009386, MONDO:0015356.

Submission:

Ambry Genetics
Classification: Uncertain significance for Hereditary cancer-predisposing syndrome. Last evaluated: 2025-08-11. Review status: criteria provided, single submitter. Criteria: Ambry Variant Classification Scheme 2023. Collection method: clinical testing. Allele origin: germline.
Comment: The c.119delA variant, located in coding exon 2 of the PDGFRA gene, results from a deletion of one nucleotide at nucleotide position 119, causing a translational frameshift with a predicted alternate stop codon (p.Q40Rfs*2). This alteration is expected to result in loss of function by premature protein truncation or nonsense-mediated mRNA decay. However, loss of function of PDGFRA has not been established as a mechanism of disease. Based on the available evidence, the clinical significance of this alteration remains unclear.

NM_006206.6(PDGFRA):c.119del (p.Gln40fs)

Gene: PDGFRA (platelet derived growth factor receptor alpha; plus strand). Cytogenetic location: 4q12.
Variant type: Deletion.
Coding change: c.119del on transcript NM_006206.6 (MANE Select); coding-DNA position 119, one base deleted (A; older notation c.119delA).
Protein change: p.Gln40fs; shifts the reading frame from glutamine 40.
Molecular consequence: frameshift variant.
Genome position (GRCh38, 1-based): chr4:54,261,164, A deleted. VCF-style (leftmost placement, unchanged base first): chr4-54261163-CA-C. GRCh37 (hg19) VCF-style: chr4-55127330-CA-C.
Other names: c.119del, p.Gln40fs (NM_001347827.2, NM_001347829.2); c.194del, p.Gln65fs (NM_001347828.2); c.158del, p.Gln53fs (NM_001347830.2); short protein forms Q53fs, Q40fs, Q65fs.
Identifiers: ClinVar variation 4133993 (VCV004133993.1).